The following is an entry in ClinVar:

NM_015102.5(NPHP4):c.2092G>A (p.Ala698Thr)

Gene: NPHP4 (nephrocystin 4; minus strand). Cytogenetic location: 1p36.31.
Variant type: single nucleotide variant.
Coding change: c.2092G>A on transcript NM_015102.5 (MANE Select); coding-DNA position 2092, G replaced by A.
Protein change: p.Ala698Thr; replaces alanine 698 with threonine.
Molecular consequence: missense variant. On other transcripts: non-coding transcript variant (1).
Genome position (GRCh38, 1-based): chr1:5,904,668, C>T on the plus strand (G>A on the coding strand, the complement: NPHP4 is on the minus strand). VCF-style: chr1-5904668-C-T. GRCh37 (hg19) VCF-style: chr1-5964728-C-T.
Other names: c.553G>A, p.Ala185Thr (NM_001291593.2); c.556G>A, p.Ala186Thr (NM_001291594.2); short protein forms A185T, A186T, A698T.
Identifiers: ClinVar variation 843689 (VCV000843689.8), dbSNP rs1159326978, ClinGen allele CA338053194.
Genomic context (GRCh38, chr1:5,904,668, plus strand): 5'-AGTACTCACCAGCATCAAAGGTGCCATCTCTGCTCACAGGCACGAGGATGTGGGTCAGGG[C>T]GCCAGAGCTGGGCTGGCCGGCCTCATCCAGCTGGACCAGCTGCAGTCGTGGCGTCGTTGC-3'
Protein context (NP_055917.1, residues 688-708): LDEAGQPSSG[Ala698Thr]LTHILVPVSR

ClinVar aggregate classification (germline): Uncertain significance. Review status: criteria provided, multiple submitters, no conflicts (2 of 4 stars). 2 submissions from 2 submitters: Uncertain significance (2). Last evaluated 2025-09-17.

Conditions:
NPHP4-related disorder. Also called: NPHP4-related condition; NPHP4-related disorders. Identifiers: MedGen CN239384.
Nephronophthisis. Also called: Juvenile Nephronophthisis. Identifiers: Orphanet 655, MedGen C0687120, MONDO:0019005, HP:0000090.

Allele frequency attached by ClinVar (database versions not stated): gnomAD 0.00001; gnomAD exomes 0.00001; TOPMed 0.00001.
gnomAD v4.1: 11 of 1,613,626 alleles (0.00068%); highest among the groups gnomAD compares: African/African-American, 0.0053%; no homozygotes.

Submissions (2):

PreventionGenetics, part of Exact Sciences
Classification: Uncertain significance for NPHP4-related condition. Last evaluated: 2025-09-17. Review status: criteria provided, single submitter. Criteria: ACMG Guidelines, 2015. Collection method: clinical testing. Allele origin: germline.
Comment: The NPHP4 c.2092G>A variant is predicted to result in the amino acid substitution p.Ala698Thr. To our knowledge, this variant has not been reported in the literature. This variant is reported in 0.0065% of alleles in individuals of South Asian descent in gnomAD. At this time, the clinical significance of this variant is uncertain due to the absence of conclusive functional and genetic evidence.

Labcorp Genetics (formerly Invitae), Labcorp
Classification: Uncertain significance for Nephronophthisis. Last evaluated: 2022-07-11. Review status: criteria provided, single submitter. Criteria: Invitae Variant Classification Sherloc (09022015). Collection method: clinical testing. Allele origin: germline.
Comment: This sequence change replaces alanine, which is neutral and non-polar, with threonine, which is neutral and polar, at codon 698 of the NPHP4 protein (p.Ala698Thr). This variant is present in population databases (no rsID available, gnomAD 0.007%). This variant has not been reported in the literature in individuals affected with NPHP4-related conditions. ClinVar contains an entry for this variant (Variation ID: 843689). Algorithms developed to predict the effect of missense changes on protein structure and function (SIFT, PolyPhen-2, Align-GVGD) all suggest that this variant is likely to be tolerated. In summary, the available evidence is currently insufficient to determine the role of this variant in disease. Therefore, it has been classified as a Variant of Uncertain Significance.